The following is an entry in ClinVar:

ClinVar aggregate classification (germline): Conflicting classifications of pathogenicity. Review status: criteria provided, conflicting classifications (1 of 4 stars). 3 submissions from 3 submitters: Uncertain significance (1); Likely benign (1). 1 of the submissions does not count toward it. Last evaluated 2022-12-08.

Conditions:
TSHZ1-related disorder. Also called: TSHZ1-related condition.

Allele frequency attached by ClinVar (database versions not stated): TOPMed 0.00014; gnomAD 0.00017; ESP Exome Variant Server 0.00023.
gnomAD v4.1: 44 of 1,613,984 alleles (0.0027%); highest among the groups gnomAD compares: African/African-American, 0.049%; no homozygotes.

Submissions (3):

Blueprint Genetics
Classification: Likely benign. Last evaluated: 2022-12-08. Review status: criteria provided, single submitter. Criteria: ACMG Guidelines, 2015. Collection method: clinical testing. Allele origin: germline.

Ambry Genetics
Classification: Uncertain significance. Last evaluated: 2021-08-17. Review status: criteria provided, single submitter. Criteria: Ambry Variant Classification Scheme 2023. Collection method: clinical testing. Allele origin: germline.

PreventionGenetics, part of Exact Sciences
Classification: Likely benign for TSHZ1-related condition. Last evaluated: 2022-09-15. Review status: no assertion criteria provided. Collection method: clinical testing. Allele origin: germline. Not counted in ClinVar's aggregate classification.
Comment: This variant is classified as likely benign based on ACMG/AMP sequence variant interpretation guidelines (Richards et al. 2015 PMID: 25741868, with internal and published modifications).

NM_001308210.2(TSHZ1):c.2012C>G (p.Ser671Cys)

Gene: TSHZ1 (teashirt zinc finger homeobox 1; plus strand). Cytogenetic location: 18q22.3.
Variant type: single nucleotide variant.
Coding change: c.2012C>G on transcript NM_001308210.2 (MANE Select); coding-DNA position 2012, C replaced by G.
Protein change: p.Ser671Cys; replaces serine 671 with cysteine.
Molecular consequence: missense variant.
Genome position (GRCh38, 1-based): chr18:75,287,419, C>G. VCF-style: chr18-75287419-C-G. GRCh37 (hg19) VCF-style: chr18-72999374-C-G.
Other names: c.1877C>G, p.Ser626Cys (NM_005786.6); c.1877C>G (NM_005786.5); short protein forms S671C, S626C.
Identifiers: ClinVar variation 2209228 (VCV002209228.5), dbSNP rs138822817, ClinGen allele CA9002185.
Genomic context (GRCh38, chr18:75,287,419, plus strand): 5'-ACATCAAGAAGGAGGAGAGACCCCCTGAGAAGGAGAAGAGCTCCCTGGCCAAGGCTGCGT[C>G]CCCCATAGCAAAAGAGAATAAAGATTTCCCGAAAACGGAGGAAGTCAGCGGCAAACCACA-3'
Protein context (NP_001295139.1, residues 661-681): KEKSSLAKAA[Ser671Cys]PIAKENKDFP